The following is an entry in ClinVar:

NM_024577.4(SH3TC2):c.1689G>C (p.Glu563Asp)

Gene: SH3TC2 (SH3 domain and tetratricopeptide repeats 2; minus strand). Cytogenetic location: 5q32.
Variant type: single nucleotide variant.
Coding change: c.1689G>C on transcript NM_024577.4 (MANE Select); coding-DNA position 1689, G replaced by C.
Protein change: p.Glu563Asp; replaces glutamic acid 563 with aspartic acid.
Molecular consequence: missense variant.
Genome position (GRCh38, 1-based): chr5:149,028,043, C>G on the plus strand (G>C on the coding strand, the complement: SH3TC2 is on the minus strand). VCF-style: chr5-149028043-C-G. GRCh37 (hg19) VCF-style: chr5-148407606-C-G.
Other names: short protein forms E563D.
Identifiers: ClinVar variation 1923675 (VCV001923675.5), dbSNP rs1754105393, ClinGen allele CA361667962.

ClinVar aggregate classification (germline): Uncertain significance (1 of 4 stars; one submission).

Conditions:
Charcot-Marie-Tooth disease type 4. Also called: Charcot-Marie-Tooth, Type 4; Charcot-Marie-Tooth disease, type IV. Identifiers: Orphanet 64749, MedGen C4082197, MONDO:0018995.

gnomAD v4.1: 1 of 1,614,006 alleles (0.000062%); no homozygotes.

Submission:

Labcorp Genetics (formerly Invitae), Labcorp
Classification: Uncertain significance for Charcot-Marie-Tooth disease type 4. Last evaluated: 2022-01-11. Review status: criteria provided, single submitter. Criteria: Invitae Variant Classification Sherloc (09022015). Collection method: clinical testing. Allele origin: germline.
Comment: In summary, the available evidence is currently insufficient to determine the role of this variant in disease. Therefore, it has been classified as a Variant of Uncertain Significance. Advanced modeling of protein sequence and biophysical properties (such as structural, functional, and spatial information, amino acid conservation, physicochemical variation, residue mobility, and thermodynamic stability) performed at Invitae indicates that this missense variant is not expected to disrupt SH3TC2 protein function. This variant has not been reported in the literature in individuals affected with SH3TC2-related conditions. This variant is not present in population databases (gnomAD no frequency). This sequence change replaces glutamic acid, which is acidic and polar, with aspartic acid, which is acidic and polar, at codon 563 of the SH3TC2 protein (p.Glu563Asp).